The following is an entry in ClinVar:

ClinVar aggregate classification (germline): Uncertain significance (1 of 4 stars; one submission).

Conditions:
Charcot-Marie-Tooth disease axonal type 2O. Also called: CHARCOT-MARIE-TOOTH NEUROPATHY, AXONAL, TYPE 2O; CHARCOT-MARIE-TOOTH DISEASE, AXONAL, AUTOSOMAL DOMINANT, TYPE 2O; Charcot-Marie-Tooth Neuropathy Type 2O; Charcot-Marie-Tooth disease, axonal, type 20. Identifiers: Orphanet 284232, MedGen C3280220, MONDO:0013644, OMIM 614228.

Submission:

Labcorp Genetics (formerly Invitae), Labcorp
Classification: Uncertain significance for Charcot-Marie-Tooth disease axonal type 2O. Last evaluated: 2024-03-04. Review status: criteria provided, single submitter. Criteria: Invitae Variant Classification Sherloc (09022015). Collection method: clinical testing. Allele origin: germline.
Comment: This sequence change creates a premature translational stop signal (p.Ser1759Trpfs*59) in the DYNC1H1 gene. It is expected to result in an absent or disrupted protein product. However, the current clinical and genetic evidence is not sufficient to establish whether loss-of-function variants in DYNC1H1 cause disease. This variant is not present in population databases (gnomAD no frequency). This variant has not been reported in the literature in individuals affected with DYNC1H1-related conditions. In summary, the available evidence is currently insufficient to determine the role of this variant in disease. Therefore, it has been classified as a Variant of Uncertain Significance.

NM_001376.5(DYNC1H1):c.5276_5316del (p.Ser1759fs)

Gene: DYNC1H1 (dynein cytoplasmic 1 heavy chain 1; plus strand). Cytogenetic location: 14q32.31.
Variant type: Deletion.
Coding change: c.5276_5316del on transcript NM_001376.5 (MANE Select); coding-DNA positions 5276 to 5316, 41 bases deleted.
Protein change: p.Ser1759fs; shifts the reading frame from serine 1759.
Molecular consequence: frameshift variant.
Genome position (GRCh38, 1-based): chr14:102,005,079-102,005,119, 41 bases deleted; deleting any 41 consecutive bases within chr14:102,005,076-102,005,119 gives the same sequence; the c. name uses the placement nearest the transcript's 3' end. GRCh37 (hg19): chr14:102,471,416-102,471,456.
Other names: short protein forms S1759fs.
Identifiers: ClinVar variation 2811314 (VCV002811314.3), dbSNP rs2503739676, ClinGen allele CA2739279874.